The following is an entry in ClinVar:

NM_000088.4(COL1A1):c.2451+1G>C

Gene: COL1A1 (collagen type I alpha 1 chain; minus strand). Cytogenetic location: 17q21.33.
Variant type: single nucleotide variant.
Coding change: c.2451+1G>C on transcript NM_000088.4 (MANE Select); the canonical splice donor site of the intron after coding-DNA position 2451, G replaced by C.
Molecular consequence: splice donor variant.
Genome position (GRCh38, 1-based): chr17:50,190,326, C>G on the plus strand (G>C on the coding strand, the complement: COL1A1 is on the minus strand). VCF-style: chr17-50190326-C-G. GRCh37 (hg19) VCF-style: chr17-48267687-C-G.
Identifiers: ClinVar variation 2119040 (VCV002119040.5), dbSNP rs2509190517, ClinGen allele CA400207907.

ClinVar aggregate classification (germline): Pathogenic. Review status: criteria provided, multiple submitters, no conflicts (2 of 4 stars). 2 submissions from 2 submitters: Pathogenic (2). Last evaluated 2025-05-23.

Conditions:
Osteogenesis imperfecta type I (OI1). Also called: Lobstein disease; OI, TYPE I; OSTEOGENESIS IMPERFECTA TARDA; OSTEOGENESIS IMPERFECTA WITH BLUE SCLERAE; Osteogenesis imperfecta type 1; Classic Non-deforming Osteogenesis Imperfecta with Blue Sclerae. Identifiers: Orphanet 216796, Orphanet 666, MedGen C0023931, MONDO:0008146, OMIM 166200. Disease mechanism: loss of function.

Submissions (2):

Clinical Biomedical Laboratory, Shriners Hospital For Children - Canada
Classification: Pathogenic for Osteogenesis imperfecta type I. Last evaluated: 2025-05-23. Review status: criteria provided, single submitter. Criteria: ACMG Guidelines, 2015. Collection method: clinical testing. Allele origin: germline. Affected: yes.
Comment: This variant affects a consensus splice site in COL1A1. Variants affecting essential splice sites in COL1A1 are a typical cause of osteogenesis imperfecta. This variant is absent from the Genome Aggregation Database (v2.1.1). This variant has been previously reported in the literature (PMID 7942841) as a cause of osteogenesis imperfecta.

Labcorp Genetics (formerly Invitae), Labcorp
Classification: Pathogenic for Osteogenesis imperfecta type I. Last evaluated: 2023-03-21. Review status: criteria provided, single submitter. Criteria: Invitae Variant Classification Sherloc (09022015). Collection method: clinical testing. Allele origin: germline.
Comment: For these reasons, this variant has been classified as Pathogenic. This sequence change affects a donor splice site in intron 35 of the COL1A1 gene. It is expected to disrupt RNA splicing. Variants that disrupt the donor or acceptor splice site typically lead to a loss of protein function (PMID: 16199547), and loss-of-function variants in COL1A1 are known to be pathogenic (PMID: 7942841, 9295084, 9443882). This variant is not present in population databases (gnomAD no frequency). Disruption of this splice site has been observed in individual(s) with osteogenesis imperfecta (PMID: 25963598). ClinVar contains an entry for this variant (Variation ID: 2119040). Algorithms developed to predict the effect of sequence changes on RNA splicing suggest that this variant may disrupt the consensus splice site.

Literature cited by the submitters: PubMed 7942841 (cited by Clinical Biomedical Laboratory, Shriners Hospital For Children - Canada and Labcorp Genetics (formerly Invitae), Labcorp); PubMed 16199547 (cited by Labcorp Genetics (formerly Invitae), Labcorp); PubMed 9295084 (cited by Labcorp Genetics (formerly Invitae), Labcorp); PubMed 9443882 (cited by Labcorp Genetics (formerly Invitae), Labcorp); PubMed 25963598 (cited by Labcorp Genetics (formerly Invitae), Labcorp).